The following continues an entry in ClinVar:

NM_000059.4(BRCA2):c.5640T>G (p.Asn1880Lys)

Gene: BRCA2. ClinVar aggregate classification (germline): Benign. Benign (1).

Submissions 22 to 34 of 34:

Eurofins Ntd Llc (ga)
Classification: Benign. Last evaluated: 2014-12-04. Review status: criteria provided, single submitter. Criteria: EGL Classification Definitions 2015. Collection method: clinical testing. Allele origin: germline. Observed: 3 variant alleles, 3 heterozygotes. Not counted in ClinVar's aggregate classification.

Ambry Genetics
Classification: Benign for Hereditary cancer-predisposing syndrome. Last evaluated: 2014-11-19. Review status: criteria provided, single submitter. Criteria: Ambry Variant Classification Scheme 2023. Collection method: clinical testing. Allele origin: germline. Not counted in ClinVar's aggregate classification.

Women's Health and Genetics/Laboratory Corporation of America, LabCorp
Classification: Benign for Hereditary breast ovarian cancer syndrome. Last evaluated: 2014-04-18. Review status: criteria provided, single submitter. Criteria: LabCorp Variant Classification Summary - May 2015. Collection method: clinical testing. Allele origin: germline. Not counted in ClinVar's aggregate classification.

Breakthrough Genomics
Classification: Benign. Review status: criteria provided, single submitter. Criteria: ACMG Guidelines, 2015. Collection method: not provided. Allele origin: germline. Inheritance: Autosomal recessive inheritance. Affected: yes. Not counted in ClinVar's aggregate classification.

BRCAlab, Lund University
Classification: Benign for Breast-ovarian cancer, familial, susceptibility to, 2. Last evaluated: 2020-03-02. Review status: no assertion criteria provided. Collection method: clinical testing. Allele origin: germline. Affected: yes. Not counted in ClinVar's aggregate classification.

Research Molecular Genetics Laboratory, Women's College Hospital, University of Toronto
Classification: Benign. Last evaluated: 2015-12-17. Review status: no assertion criteria provided. Collection method: research. Allele origin: germline. Affected: yes. Study: The Canadian Open Genetics Repository (COGR). Not counted in ClinVar's aggregate classification.

CSER _CC_NCGL, University of Washington
Classification: Likely benign for Breast cancer. Last evaluated: 2014-06-01. Review status: no assertion criteria provided. Collection method: research. Allele origin: germline. Inheritance: Autosomal dominant inheritance. Study: ESP 6500 variant annotation. Not counted in ClinVar's aggregate classification.
Comment: Variants classified for the Actionable exomic incidental findings in 6503 participants: challenges of variant classification manuscript

Counsyl
Classification: Benign for Breast-ovarian cancer, familial 2. Last evaluated: 2014-05-23. Review status: no assertion criteria provided. Collection method: literature only. Allele origin: unknown. Inheritance: Autosomal dominant inheritance. Not counted in ClinVar's aggregate classification.

ITMI
No classification provided. Condition: AllHighlyPenetrant. Last evaluated: 2013-09-19. Review status: no classification provided. Collection method: reference population. Allele origin: germline. Not counted in ClinVar's aggregate classification.
Comment: Please see associated publication for description of ethnicities

Foulkes Cancer Genetics LDI, Lady Davis Institute for Medical Research
Classification: Pathogenic for Breast and/or ovarian cancer. Last evaluated: 2012-05-08. Review status: no assertion criteria provided. Collection method: clinical testing. Allele origin: germline. Study: The Canadian Open Genetics Repository (COGR). Not counted in ClinVar's aggregate classification.

Sharing Clinical Reports Project (SCRP)
Classification: Benign for Breast-ovarian cancer, familial 2. Last evaluated: 2008-08-01. Review status: no assertion criteria provided. Collection method: clinical testing. Allele origin: germline. Not counted in ClinVar's aggregate classification.

Breast Cancer Information Core (BIC) (BRCA2)
Classification: Uncertain significance for Breast-ovarian cancer, familial 2. Last evaluated: 2002-05-29. Review status: no assertion criteria provided. Collection method: clinical testing. Allele origin: germline, unknown. Affected: yes. Observed: 45 variant alleles. Not counted in ClinVar's aggregate classification.

Department of Pathology and Laboratory Medicine, Sinai Health System
Classification: Benign for Breast-ovarian cancer, familial, susceptibility to, 2. Review status: no assertion criteria provided. Collection method: clinical testing. Allele origin: unknown. Affected: yes. Study: The Canadian Open Genetics Repository (COGR). Not counted in ClinVar's aggregate classification.
Comment: The p.Asn1880Lys variant has been previously observed in 7/5248 (frequency: 0.001) proband chromosomes from individuals with a family history of breast and/or ovarian cancer (Borg 2010, Haffty 2009, Real 2002, Weitzel 2005). In addition, in the Exome Variant Server this variant was not found in any of the 8,600 Caucasian control chromosomes, but was found in 41/4365 (frequency: 0.009) African American control chromosomes increasing the likelihood that this variant is a benign polymorphism in this population of origin. It should also be noted that this lab has sequenced the BRCA2 gene in a limited number of African American individuals such that the full spectrum of benign variation has not yet been defined for this population, and increasing the possibility that this may be a benign variant. Future analysis could reveal that the p.Asn1880Lys variant is common in this population and therefore unlikely to be of clinical significance. It is listed in dbSNP database as coming from a "clinical source" (ID#: rs11571657) with a global minor allele frequency (MAF) of 0.002 (1000 Genomes) further lending to a benign role for this variant. Finally, this residue is not conserved in mammals and computational analyses (PolyPhen, SIFT, AlignGVGD) do not suggest a high likelihood of impact to the protein, further leaning to a benign role for this variant. In summary, we cannot rule out the possibility that this variant may contribute to the phenotype in this individual, but based on the above information this variant is classified as benign.

Literature cited by the submitters: DOI 10.3389/fgene.2022.834265 (cited by National Health Laboratory Service, Universitas Academic Hospital and University of the Free State); PubMed 36329109 (cited by Genetics Program, Instituto Nacional de Cancer); PubMed 22034289 (cited by Illumina Laboratory Services, Illumina and Women's Health and Genetics/Laboratory Corporation of America, LabCorp); PubMed 20104584 (cited by Illumina Laboratory Services, Illumina and Women's Health and Genetics/Laboratory Corporation of America, LabCorp); PubMed 21520273 (cited by Women's Health and Genetics/Laboratory Corporation of America, LabCorp and Counsyl); PubMed 19491284 (cited by Women's Health and Genetics/Laboratory Corporation of America, LabCorp); PubMed 11950811 (cited by Counsyl); PubMed 9971877 (cited by Counsyl); PubMed 11241844 (cited by Counsyl); PubMed 12491487 (cited by Counsyl); PubMed 18724707 (cited by Counsyl); PubMed 24728327 (cited by ITMI).